The following is an entry in ClinVar:

NM_001077418.3(TMEM231):c.582C>T (p.Asn194=)

Gene: TMEM231 (transmembrane protein 231; minus strand). Cytogenetic location: 16q23.1.
Variant type: single nucleotide variant.
Coding change: c.582C>T on transcript NM_001077418.3 (MANE Select); coding-DNA position 582, C replaced by T.
Protein change: p.Asn194=; no amino-acid change (asparagine 194 retained).
Molecular consequence: synonymous variant. On other transcripts: non-coding transcript variant (1).
Genome position (GRCh38, 1-based): chr16:75,545,352, G>A on the plus strand (C>T on the coding strand, the complement: TMEM231 is on the minus strand). VCF-style: chr16-75545352-G-A. GRCh37 (hg19) VCF-style: chr16-75579250-G-A.
Other names: c.741C>T, p.Asn247= (NM_001077416.2).
Identifiers: ClinVar variation 379404 (VCV000379404.22), dbSNP rs199776253, ClinGen allele CA8176149.
Genomic context (GRCh38, chr16:75,545,352, plus strand): 5'-GAACTTAATGAACAGTAACACAGAGAAACAAAGGAGCTGGACAATGAGAAGCGCTCTTAC[G>A]TTGTATCGGGCATCTAGGCCACCACAGCTCAGCGGCTGCTTCTGCTGCAGCCTCAGGTCT-3'
Protein context (NP_001070886.1, residues 184-204): LSCGGLDARY[Asn194=]ISVINGTSPF

ClinVar aggregate classification (germline): Conflicting classifications of pathogenicity. Review status: criteria provided, conflicting classifications (1 of 4 stars). 4 submissions from 4 submitters: Uncertain significance (1); Likely benign (3). Last evaluated 2026-03-01.

Conditions:
Meckel syndrome, type 11 (MKS11). Identifiers: Orphanet 564, MedGen C3809352, MONDO:0014164, OMIM 615397.
Joubert syndrome 20 (JBTS20). Identifiers: Orphanet 475, MedGen C3554235, MONDO:0013994, OMIM 614970.

Allele frequency attached by ClinVar (database versions not stated): gnomAD exomes 0.00013 and 0.00016; ExAC 0.00019; gnomAD 0.00024 and 0.00026; 1000 Genomes Project 30x 0.00078; 1000 Genomes Project 0.00080.
gnomAD v4.1: 238 of 1,612,436 alleles (0.015%); highest among the groups gnomAD compares: East Asian, 0.06%; no homozygotes.

Submissions (4):

CeGaT Center for Human Genetics Tuebingen
Classification: Likely benign. Last evaluated: 2026-03-01. Review status: criteria provided, single submitter. Criteria: CeGaT Center For Human Genetics Tuebingen Variant Classification Criteria Version 2. Collection method: clinical testing. Allele origin: germline. Affected: yes. Observed: 2 variant alleles.
Comment: TMEM231: BP4, BP7

Blueprint Genetics
Classification: Likely benign. Last evaluated: 2024-11-14. Review status: criteria provided, single submitter. Criteria: ACMG Guidelines, 2015. Collection method: clinical testing. Allele origin: germline.

Labcorp Genetics (formerly Invitae), Labcorp
Classification: Uncertain significance for Joubert syndrome 20; Meckel syndrome, type 11. Last evaluated: 2024-10-21. Review status: criteria provided, single submitter. Criteria: Invitae Variant Classification Sherloc (09022015). Collection method: clinical testing. Allele origin: germline.
Comment: This sequence change affects codon 247 of the TMEM231 mRNA. It is a 'silent' change, meaning that it does not change the encoded amino acid sequence of the TMEM231 protein. It affects a nucleotide within the consensus splice site. This variant is present in population databases (rs199776253, gnomAD 0.07%). This variant has been observed in individual(s) with TMEM231-related conditions (PMID: 33057194, 35982159). ClinVar contains an entry for this variant (Variation ID: 379404). Algorithms developed to predict the effect of sequence changes on RNA splicing suggest that this variant is not likely to affect RNA splicing. In summary, the available evidence is currently insufficient to determine the role of this variant in disease. Therefore, it has been classified as a Variant of Uncertain Significance.

GeneDx
Classification: Likely benign. Last evaluated: 2019-04-11. Review status: criteria provided, single submitter. Criteria: GeneDx Variant Classification Process June 2021. Collection method: clinical testing. Allele origin: germline. Affected: yes.

Literature cited by the submitters: PubMed 33057194 (cited by Labcorp Genetics (formerly Invitae), Labcorp); PubMed 35982159 (cited by Labcorp Genetics (formerly Invitae), Labcorp).